The following is an entry in ClinVar:

NM_014844.5(TECPR2):c.2050C>G (p.Leu684Val)

Gene: TECPR2 (tectonin beta-propeller repeat containing 2; plus strand). Cytogenetic location: 14q32.31.
Variant type: single nucleotide variant.
Coding change: c.2050C>G on transcript NM_014844.5 (MANE Select); coding-DNA position 2050, C replaced by G.
Protein change: p.Leu684Val; replaces leucine 684 with valine.
Molecular consequence: missense variant.
Genome position (GRCh38, 1-based): chr14:102,434,867, C>G. VCF-style: chr14-102434867-C-G. GRCh37 (hg19) VCF-style: chr14-102901204-C-G.
Other names: p.Leu684Val; c.2050C>G, p.Leu684Val (NM_001172631.3); short protein forms L684V.
Identifiers: ClinVar variation 380957 (VCV000380957.27), dbSNP rs45467297, ClinGen allele CA7357837.

ClinVar aggregate classification (germline): Benign/Likely benign. Review status: criteria provided, multiple submitters, no conflicts (2 of 4 stars). 10 submissions from 10 submitters: Benign (6); Likely benign (2). 2 of the submissions do not count toward it. Last evaluated 2026-02-04.

Conditions:
Hereditary spastic paraplegia 49 (HSAN9). Also called: Spastic paraplegia 49, autosomal recessive; NEUROPATHY, HEREDITARY SENSORY AND AUTONOMIC, TYPE IX, WITH DEVELOPMENTAL DELAY; TECPR2-Related Hereditary Sensory and Autonomic Neuropathy with Intellectual Disability. Identifiers: Orphanet 320385, MedGen C5190860, MONDO:0014016, OMIM 615031.
Hereditary spastic paraplegia. Also called: Familial spastic paraparesis. Identifiers: Orphanet 685, MedGen C0037773, MONDO:0019064. Disease mechanism: loss of function.

Allele frequency attached by ClinVar (database versions not stated): ESP Exome Variant Server 0.03091; 1000 Genomes Project 0.03195; gnomAD 0.03279 and 0.03285; 1000 Genomes Project 30x 0.03357; TOPMed 0.03465; ExAC 0.04241.
gnomAD v4.1: 71,470 of 1,613,664 alleles (4.4%); highest among the groups gnomAD compares: Admixed American, 8.1%; 1,907 homozygotes.

Submissions (10):

Labcorp Genetics (formerly Invitae), Labcorp
Classification: Benign for Hereditary spastic paraplegia 49. Last evaluated: 2026-02-04. Review status: criteria provided, single submitter. Criteria: Invitae Variant Classification Sherloc (09022015). Collection method: clinical testing. Allele origin: germline.

Genome Diagnostics Laboratory, The Hospital for Sick Children
Classification: Benign for Hereditary spastic paraplegia. Last evaluated: 2021-12-21. Review status: criteria provided, single submitter. Criteria: ACMG Guidelines, 2015. Collection method: clinical testing. Allele origin: germline. Affected: yes.

Women's Health and Genetics/Laboratory Corporation of America, LabCorp
Classification: Likely benign. Last evaluated: 2021-12-10. Review status: criteria provided, single submitter. Criteria: LabCorp Variant Classification Summary - May 2015. Collection method: clinical testing. Allele origin: germline.

Institute of Human Genetics, University of Leipzig Medical Center
Classification: Benign for Hereditary spastic paraplegia 49. Last evaluated: 2020-07-11. Review status: criteria provided, single submitter. Criteria: ACMG Guidelines, 2015. Collection method: curation. Allele origin: paternal. Inheritance: Autosomal recessive inheritance. Observed: 1 compound heterozygote.
Comment: The variant is paternally inherited. This missense variant c.2050C>G, p.(Leu684Val) in exon 10/20 of TECPR2 has been reported in ClinVar as benign (380957). In the general population the minor allele frequency is 0.04244 including at least 404 individuals with homozygosity for this variant (gnomAD). Biallelic truncating or missense variants have been described to cause "Spastic paraplegia 49, autosomal recessive" (Oz-Levi et al. Am J Hum Genet. 2012, PMID: 23176824). Multiple in silico-tools predict this variant as benign. Taken together, we classify this variant as benign based on the ACMG recommendations (Richards et al., 2015, PMID 25741868; criteria: BS1 BS2 BP4).

Mayo Clinic Laboratories, Mayo Clinic
Classification: Benign. Last evaluated: 2017-08-25. Review status: criteria provided, single submitter. Criteria: ACMG Guidelines, 2015. Collection method: clinical testing. Allele origin: germline. Observed: 75 variant alleles.

Institute for Genomic Medicine (IGM) Clinical Laboratory, Nationwide Children's Hospital
Classification: Benign. Last evaluated: 2017-05-17. Review status: criteria provided, single submitter. Criteria: ACMG Guidelines, 2015. Collection method: clinical testing. Allele origin: germline.
Comment: BS1, BS2, BP1, BP4, BP6; This alteration has an allele frequency that is greater than expected for the associated disease, was seen in a healthy adult where full penetrance of the disorder is expected at an early age, is a missense alteration in a gene for which primarily truncating variants are known to cause disease, is predicted to be tolerated by multiple functional prediction tools, and was reported as a benign/likely benign alteration by a reputable source (ClinVar or other correspondence from a clinical testing laboratory).

GeneDx
Classification: Benign. Last evaluated: 2016-04-22. Review status: criteria provided, single submitter. Criteria: GeneDx Variant Classification (06012015). Collection method: clinical testing. Allele origin: germline. Affected: yes.
Comment: This variant is considered likely benign or benign based on one or more of the following criteria: it is a conservative change, it occurs at a poorly conserved position in the protein, it is predicted to be benign by multiple in silico algorithms, and/or has population frequency not consistent with disease.

Breakthrough Genomics
Classification: Likely benign. Review status: criteria provided, single submitter. Criteria: ACMG Guidelines, 2015. Collection method: not provided. Allele origin: germline. Inheritance: Autosomal recessive inheritance. Affected: yes.

Natera, Inc.
Classification: Benign for Autosomal recessive spastic paraplegia type 49. Last evaluated: 2020-09-16. Review status: no assertion criteria provided. Collection method: clinical testing. Allele origin: germline. Not counted in ClinVar's aggregate classification.

Counsyl
Classification: Benign for Hereditary spastic paraplegia 49. Last evaluated: 2017-03-27. Review status: no assertion criteria provided. Collection method: clinical testing. Allele origin: unknown. Not counted in ClinVar's aggregate classification.

Literature cited by the submitters: PubMed 27406698 (cited by Counsyl).